The following is an entry in ClinVar:

ClinVar aggregate classification (germline): Uncertain significance (1 of 4 stars; one submission).

Conditions:
Inborn genetic diseases. Identifiers: MedGen C0950123, MeSH D030342.

Allele frequency attached by ClinVar (database versions not stated): ExAC 0.00001; gnomAD exomes 0.00002.

Submission:

Ambry Genetics
Classification: Uncertain significance for Inborn genetic diseases. Last evaluated: 2019-09-29. Review status: criteria provided, single submitter. Criteria: Ambry Variant Classification Scheme 2023. Collection method: clinical testing. Allele origin: germline.
Comment: The p.R134C variant (also known as c.400C>T), located in coding exon 2 of the FGD1 gene, results from a C to T substitution at nucleotide position 400. The arginine at codon 134 is replaced by cysteine, an amino acid with highly dissimilar properties. This amino acid position is well conserved in available vertebrate species. In addition, this alteration is predicted to be tolerated by in silico analysis. Since supporting evidence is limited at this time, the clinical significance of this alteration remains unclear.

NM_004463.3(FGD1):c.400C>T (p.Arg134Cys)

Gene: FGD1 (FYVE, RhoGEF and PH domain containing 1; minus strand). Cytogenetic location: Xp11.22.
Variant type: single nucleotide variant.
Coding change: c.400C>T on transcript NM_004463.3 (MANE Select); coding-DNA position 400, C replaced by T.
Protein change: p.Arg134Cys; replaces arginine 134 with cysteine.
Molecular consequence: missense variant.
Genome position (GRCh38, 1-based): chrX:54,471,395, G>A on the plus strand (C>T on the coding strand, the complement: FGD1 is on the minus strand). VCF-style: chrX-54471395-G-A. GRCh37 (hg19) VCF-style: chrX-54497828-G-A.
Other names: short protein forms R134C.
Identifiers: ClinVar variation 1736999 (VCV001736999.2), dbSNP rs758037401, ClinGen allele CA10425284.